The following is an entry in ClinVar:

ClinVar aggregate classification (germline): Pathogenic. Review status: criteria provided, multiple submitters, no conflicts (2 of 4 stars). 7 submissions from 7 submitters: Pathogenic (5). 2 of the submissions do not count toward it. Last evaluated 2026-05-14.

Conditions:
Auditory neuropathy spectrum disorder. Identifiers: MedGen C2732267.
Inborn genetic diseases. Identifiers: MedGen C0950123, MeSH D030342.
OTOF-related disorder. Also called: OTOF-related condition.
Autosomal recessive nonsyndromic hearing loss 9. Also called: AUDITORY NEUROPATHY, AUTOSOMAL RECESSIVE, 1, TEMPERATURE-SENSITIVE; Deafness, autosomal recessive 9; OTOF-Related Hearing Loss; NEUROSENSORY NONSYNDROMIC RECESSIVE DEAFNESS 9. Identifiers: Orphanet 90636, MedGen C1832828, MONDO:0010986, OMIM 601071.

Allele frequency attached by ClinVar (database versions not stated): ExAC 0.00003; gnomAD 0.00003; gnomAD exomes 0.00004 and 0.00007; 1000 Genomes Project 30x 0.00016; 1000 Genomes Project 0.00020.
gnomAD v4.1: 108 of 1,578,266 alleles (0.0068%); highest among the groups gnomAD compares: East Asian, 0.13%; 1 homozygote.

Submissions (7):

PreventionGenetics, part of Exact Sciences
Classification: Pathogenic for OTOF-related condition. Last evaluated: 2026-05-14. Review status: criteria provided, single submitter. Criteria: ACMG Guidelines, 2015. Collection method: clinical testing. Allele origin: germline.
Comment: The OTOF c.5816G>A variant is predicted to result in the amino acid substitution p.Arg1939Gln. This variant was reported in the homozygous and compound heterozygous states in multiple individuals with auditory neuropathy or nonsyndromic hearing loss (described as c.6141G>A, Varga et al. 2003. PubMed ID: 12525542; Chang et al. 2015. PubMed ID: 26632695; Matsunaga et al. 2012. PubMed ID: 22575033; Mutai et al. 2022. PubMed ID: 35248088). This variant is reported in 0.027% of alleles in individuals of East Asian descent in gnomAD. This variant is interpreted as pathogenic.

Ambry Genetics
Classification: Pathogenic for Inborn genetic diseases. Last evaluated: 2024-08-06. Review status: criteria provided, single submitter. Criteria: Ambry Variant Classification Scheme 2023. Collection method: clinical testing. Allele origin: germline.
Comment: The c.*20G>A alteration is located in the 3' untranslated region (3' UTR) of the OTOF gene. This alteration consists of a G to A substitution 20 nucleotides after the last coding exon of the OTOF gene. Report as NM_001287489 c.5816G>A (p.R1939Q) - requires manual report edits Based on data from gnomAD, the A allele has an overall frequency of 0.004% (9/215492) total alleles studied. The highest observed frequency was 0.027% (4/14656) of East Asian alleles. This variant has been identified in the homozygous state and/or in conjunction with other OTOF variants in individuals with hearing loss (Matsunaga, 2012; Chang, 2015; Lee, 2021). Based on the available evidence, this alteration is classified as pathogenic.

Labcorp Genetics (formerly Invitae), Labcorp
Classification: Pathogenic. Last evaluated: 2024-01-25. Review status: criteria provided, single submitter. Criteria: Invitae Variant Classification Sherloc (09022015). Collection method: clinical testing. Allele origin: germline.
Comment: The OTOF gene has multiple clinically relevant transcripts. This variant occurs in alternate transcript NM_194323.2, and corresponds to NM_194248.2:c.*20G>A in the primary transcript. This sequence change replaces arginine, which is basic and polar, with glutamine, which is neutral and polar, at codon 1172 of the OTOF protein (p.Arg1172Gln). This variant is present in population databases (rs201326023, gnomAD 0.02%). This missense change has been observed in individual(s) with auditory neuropathy spectrum disorder (PMID: 26632695). In at least one individual the data is consistent with being in trans (on the opposite chromosome) from a pathogenic variant. This variant is also known as p.R1939Q. ClinVar contains an entry for this variant (Variation ID: 548986). Algorithms developed to predict the effect of sequence changes on RNA splicing suggest that this variant may create or strengthen a splice site. For these reasons, this variant has been classified as Pathogenic.

GeneDx
Classification: Pathogenic. Last evaluated: 2023-07-04. Review status: criteria provided, single submitter. Criteria: GeneDx Variant Classification Process June 2021. Collection method: clinical testing. Allele origin: germline. Affected: yes.
Comment: In silico analysis supports that this missense variant has a deleterious effect on protein structure/function and a deleterious effect on splicing; This variant is associated with the following publications: (PMID: 35248088, 26346818, 31095577, 26632695, 24053799, 30482216, 24814232, 23562982, 27621663, 16097006, 22906306, 22575033, 14635104, 12525542, 34426522, 34424407)

Division of Hearing and Balance Research, National Hospital Organization Tokyo Medical Center
Classification: Pathogenic for Autosomal recessive nonsyndromic hearing loss 9. Last evaluated: 2018-02-20. Review status: criteria provided, single submitter. Criteria: Matsunaga et al. (Clin Genet. 2012). Collection method: clinical testing. Allele origin: germline. Inheritance: Autosomal recessive inheritance. Affected: yes. Observed: 13 variant alleles, 6 compound heterozygotes, 7 homozygotes. Clinical features observed: Hearing impairment (HP:0000365).

Diagnosis and Treatment Center of Genetic Hearing Loss, Eye & ENT Hospital of Fudan University
Classification: Pathogenic for Autosomal recessive nonsyndromic hearing loss 9. Last evaluated: 2026-02-04. Review status: no assertion criteria provided. Collection method: clinical testing. Allele origin: germline. Inheritance: Autosomal recessive inheritance. Affected: yes. Not counted in ClinVar's aggregate classification.
Comment: The c.5816G>A missense variant in OTOF (exon 46) has been reported in at least 13 patients: three with a second pathogenic/likely pathogenic variant (c.1422T>A, c.5466C>G, c2151G>A) and ten homozygous patients (PM3_VeryStrong) (PMID: 34424407). The REVEL score is 0.86 (PP3_Moderate). The phenotype is highly consistent with auditory neuropathy (PP4). The maximum population frequency is 0.0003 in gnomAD.

Department of Otolaryngology, Head and Neck Surgery, Beijing Friendship Hospital, Capital Medical University
Classification: Pathogenic for Auditory neuropathy spectrum disorder. Last evaluated: 2020-10-20. Review status: no assertion criteria provided. Collection method: clinical testing. Allele origin: inherited. Inheritance: Autosomal recessive inheritance. Affected: yes. Not counted in ClinVar's aggregate classification.

Literature cited by the submitters: PubMed 22575033 (cited by Ambry Genetics); PubMed 26632695 (cited by Ambry Genetics and Labcorp Genetics (formerly Invitae), Labcorp); PubMed 34097718 (cited by Ambry Genetics).

NM_194323.3(OTOF):c.3515G>A (p.Arg1172Gln)

Gene: OTOF (otoferlin; minus strand). Cytogenetic location: 2p23.3.
Variant type: single nucleotide variant.
Coding change: c.3515G>A on transcript NM_194323.3 (MANE Plus Clinical); coding-DNA position 3515, G replaced by A.
Protein change: p.Arg1172Gln; replaces arginine 1172 with glutamine.
Molecular consequence: missense variant. On other transcripts: 3 prime UTR variant (3).
Genome position (GRCh38, 1-based): chr2:26,458,218, C>T on the plus strand (G>A on the coding strand, the complement: OTOF is on the minus strand). VCF-style: chr2-26458218-C-T. GRCh37 (hg19) VCF-style: chr2-26681086-C-T.
Other names: c.*20G>A (NM_194248.2, NM_004802.4, NM_194248.3 and 1 more transcripts); c.5816G>A, p.Arg1939Gln (NM_001287489.2); short protein forms R1939Q, R1172Q.
Identifiers: ClinVar variation 548986 (VCV000548986.11), dbSNP rs201326023, ClinGen allele CA1562638.